The following is an entry in ClinVar:

NM_016284.5(CNOT1):c.2520T>C (p.Phe840=)

Gene: CNOT1 (CCR4-NOT transcription complex subunit 1; minus strand). Cytogenetic location: 16q21.
Variant type: single nucleotide variant.
Coding change: c.2520T>C on transcript NM_016284.5 (MANE Select); coding-DNA position 2520, T replaced by C.
Protein change: p.Phe840=; no amino-acid change (phenylalanine 840 retained).
Molecular consequence: synonymous variant. On other transcripts: non-coding transcript variant (1).
Genome position (GRCh38, 1-based): chr16:58,555,868, A>G on the plus strand (T>C on the coding strand, the complement: CNOT1 is on the minus strand). VCF-style: chr16-58555868-A-G. GRCh37 (hg19) VCF-style: chr16-58589772-A-G.
Other names: c.2505T>C, p.Phe835= (NM_001265612.2); c.2520T>C, p.Phe840= (NM_206999.3); c.2520T>C (NM_016284.4).
Identifiers: ClinVar variation 2891712 (VCV002891712.5), dbSNP rs138261034, ClinGen allele CA8089618.
Genomic context (GRCh38, chr16:58,555,868, plus strand): 5'-TGGTGGATGATTATATATTCGCTGGAAATAGCTGTTTGCTTCATCATCTATCTCTTTACT[A>G]AAGTGCTGGTTTGCCTCTGGCCACACCTGAGACAAGTCCGCTGTTGGAAACAAAAAAGGA-3'
Protein context (NP_057368.3, residues 830-850): SQVWPEANQH[Phe840=]SKEIDDEANS

ClinVar aggregate classification (germline): Likely benign. Review status: criteria provided, single submitter (1 of 4 stars). 2 submissions from 2 submitters: Likely benign (1). 1 of the submissions does not count toward it. Last evaluated 2024-09-26.

Conditions:
CNOT1-related disorder. Also called: CNOT1-related condition.

Allele frequency attached by ClinVar (database versions not stated): gnomAD exomes 0.00005; gnomAD 0.00007; ExAC 0.00009; TOPMed 0.00010; ESP Exome Variant Server 0.00015; 1000 Genomes Project 30x 0.00016; 1000 Genomes Project 0.00020.
gnomAD v4.1: 77 of 1,613,714 alleles (0.0048%); highest among the groups gnomAD compares: Middle Eastern, 0.016%; no homozygotes.

Submissions (2):

Labcorp Genetics (formerly Invitae), Labcorp
Classification: Likely benign. Last evaluated: 2024-09-26. Review status: criteria provided, single submitter. Criteria: Invitae Variant Classification Sherloc (09022015). Collection method: clinical testing. Allele origin: germline.

PreventionGenetics, part of Exact Sciences
Classification: Likely benign for CNOT1-related condition. Last evaluated: 2020-04-08. Review status: no assertion criteria provided. Collection method: clinical testing. Allele origin: germline. Not counted in ClinVar's aggregate classification.
Comment: This variant is classified as likely benign based on ACMG/AMP sequence variant interpretation guidelines (Richards et al. 2015 PMID: 25741868, with internal and published modifications).